The following is an entry in ClinVar:

ClinVar aggregate classification (germline): Likely benign. Review status: criteria provided, multiple submitters, no conflicts (2 of 4 stars). 2 submissions from 2 submitters: Likely benign (2). Last evaluated 2026-06-01.

Submissions (2):

CeGaT Center for Human Genetics Tuebingen
Classification: Likely benign. Last evaluated: 2026-06-01. Review status: criteria provided, single submitter. Criteria: CeGaT Center For Human Genetics Tuebingen Variant Classification Criteria Version 2. Collection method: clinical testing. Allele origin: germline. Affected: yes. Observed: 2 variant alleles.
Comment: DMXL2: PM2:Supporting, BP4, BP7

Labcorp Genetics (formerly Invitae), Labcorp
Classification: Likely benign. Last evaluated: 2022-08-16. Review status: criteria provided, single submitter. Criteria: Invitae Variant Classification Sherloc (09022015). Collection method: clinical testing. Allele origin: germline.

NM_001378457.1(DMXL2):c.414A>C (p.Pro138=)

Gene: DMXL2 (Dmx like 2; minus strand). Cytogenetic location: 15q21.2.
Variant type: single nucleotide variant.
Coding change: c.414A>C on transcript NM_001378457.1 (MANE Select); coding-DNA position 414, A replaced by C.
Protein change: p.Pro138=; no amino-acid change (proline 138 retained).
Molecular consequence: synonymous variant. On other transcripts: non-coding transcript variant (2).
Genome position (GRCh38, 1-based): chr15:51,564,211, T>G on the plus strand (A>C on the coding strand, the complement: DMXL2 is on the minus strand). VCF-style: chr15-51564211-T-G. GRCh37 (hg19) VCF-style: chr15-51856408-T-G.
Other names: c.414A>C, p.Pro138= (NM_001174116.3, NM_001174117.3, NM_001378458.1 and 7 more transcripts).
Identifiers: ClinVar variation 1978536 (VCV001978536.6), dbSNP rs2548702908, ClinGen allele CA490511608.
Genomic context (GRCh38, chr15:51,564,211, plus strand): 5'-ATTTAAAACAGGAGGAACTGTATTATCAATTTCTTCCTCCTCTTCCAGAATATCATCTCC[T>G]GGAGGAGCCCACAACTGAATAGAATCAGTTGCTGTCAACAATCTATTATCTGAAAATTAA-3'
Protein context (NP_001365386.1, residues 128-148): ATDSIQLWAP[Pro138=]GDDILEEEEE